The following is an entry in ClinVar:

ClinVar aggregate classification (germline): Uncertain significance (1 of 4 stars; one submission).

Conditions:
Lissencephaly 9 with complex brainstem malformation. Identifiers: Orphanet 572013, MedGen C5193029, MONDO:0032677, OMIM 618325.

Submission:

Laboratorio de Genetica e Diagnostico Molecular, Hospital Israelita Albert Einstein
Classification: Uncertain significance for Lissencephaly 9 with complex brainstem malformation. Last evaluated: 2026-04-17. Review status: criteria provided, single submitter. Criteria: ACMG Guidelines, 2015. Collection method: clinical testing. Allele origin: germline. Affected: yes.
Comment: ACMG classification criteria: PM2 supporting, PP2 supporting, BP4 supporting

NM_001394062.1(MACF1):c.3295T>G (p.Leu1099Val)

Gene: MACF1 (microtubule actin crosslinking factor 1; plus strand). Cytogenetic location: 1p34.3.
Variant type: single nucleotide variant.
Coding change: c.3295T>G on transcript NM_001394062.1 (MANE Select); coding-DNA position 3295, T replaced by G.
Protein change: p.Leu1099Val; replaces leucine 1099 with valine.
Molecular consequence: missense variant.
Genome position (GRCh38, 1-based): chr1:39,315,537, T>G. VCF-style: chr1-39315537-T-G. GRCh37 (hg19) VCF-style: chr1-39781209-T-G.
Other names: c.3310T>G, p.Leu1104Val (NM_012090.5); short protein forms L1099V, L1104V.
Identifiers: ClinVar variation 4846841 (VCV004846841.1).